The following is an entry in ClinVar:

NM_005633.4(SOS1):c.2167+6T>A

Gene: SOS1 (SOS Ras/Rac guanine nucleotide exchange factor 1; minus strand). Cytogenetic location: 2p22.1.
Variant type: single nucleotide variant.
Coding change: c.2167+6T>A on transcript NM_005633.4 (MANE Select); 6 bases into the intron after coding-DNA position 2167, T replaced by A.
Molecular consequence: intron variant.
Genome position (GRCh38, 1-based): chr2:39,013,454, A>T on the plus strand (T>A on the coding strand, the complement: SOS1 is on the minus strand). VCF-style: chr2-39013454-A-T. GRCh37 (hg19) VCF-style: chr2-39240595-A-T.
Other names: c.2146+6T>A (NM_001382394.1); c.2167+6T>A (NM_001382395.1).
Identifiers: ClinVar variation 2839556 (VCV002839556.3), dbSNP rs186640807, ClinGen allele CA2739274338.

ClinVar aggregate classification (germline): Uncertain significance (1 of 4 stars; one submission).

Conditions:
RASopathy. Also called: rasopathies; Noonan spectrum disorder. Identifiers: Orphanet 536391, MedGen C5555857, MONDO:0021060.

Submission:

Labcorp Genetics (formerly Invitae), Labcorp
Classification: Uncertain significance for RASopathy. Last evaluated: 2023-08-17. Review status: criteria provided, single submitter. Criteria: Invitae Variant Classification Sherloc (09022015). Collection method: clinical testing. Allele origin: germline.
Comment: In summary, the available evidence is currently insufficient to determine the role of this variant in disease. Therefore, it has been classified as a Variant of Uncertain Significance. Variants that disrupt the consensus splice site are a relatively common cause of aberrant splicing (PMID: 17576681, 9536098). Algorithms developed to predict the effect of sequence changes on RNA splicing suggest that this variant is not likely to affect RNA splicing. This variant has not been reported in the literature in individuals affected with SOS1-related conditions. This variant is not present in population databases (gnomAD no frequency). This sequence change falls in intron 13 of the SOS1 gene. It does not directly change the encoded amino acid sequence of the SOS1 protein. It affects a nucleotide within the consensus splice site.

Literature cited by the submitters: PubMed 17576681; PubMed 9536098.